The following is an entry in ClinVar:

NM_005902.4(SMAD3):c.1274C>G (p.Ser425Cys)

Gene: SMAD3 (SMAD family member 3; plus strand). Cytogenetic location: 15q22.33.
Variant type: single nucleotide variant.
Coding change: c.1274C>G on transcript NM_005902.4 (MANE Select); coding-DNA position 1274, C replaced by G.
Protein change: p.Ser425Cys; replaces serine 425 with cysteine.
Molecular consequence: missense variant.
Genome position (GRCh38, 1-based): chr15:67,190,532, C>G. VCF-style: chr15-67190532-C-G. GRCh37 (hg19) VCF-style: chr15-67482870-C-G.
Other names: c.959C>G, p.Ser320Cys (NM_001145102.2); c.1142C>G, p.Ser381Cys (NM_001145103.2); c.689C>G, p.Ser230Cys (NM_001145104.2); short protein forms S230C, S320C, S381C, S425C.
Identifiers: ClinVar variation 1073400 (VCV001073400.7), dbSNP rs2140328050, ClinGen allele CA392959055.

ClinVar aggregate classification (germline): Pathogenic (1 of 4 stars; one submission).

Conditions:
Familial thoracic aortic aneurysm and aortic dissection (TAAD). Also called: Thoracic aortic aneurysms and dissections. Identifiers: Orphanet 91387, MedGen C4707243, MONDO:0019625.

Submission:

Labcorp Genetics (formerly Invitae), Labcorp
Classification: Pathogenic for Familial thoracic aortic aneurysm and aortic dissection. Last evaluated: 2020-09-25. Review status: criteria provided, single submitter. Criteria: Invitae Variant Classification Sherloc (09022015). Collection method: clinical testing. Allele origin: germline.
Comment: This sequence change replaces serine with cysteine at codon 425 of the SMAD3 protein (p.Ser425Cys). The serine residue is highly conserved and there is a moderate physicochemical difference between serine and cysteine. This variant is not present in population databases (ExAC no frequency). This variant has been observed in individual(s) with clinical features of Loeys-Dietz syndrome (Invitae). In at least one individual the variant was observed to be de novo. Advanced modeling of protein sequence and biophysical properties (such as structural, functional, and spatial information, amino acid conservation, physicochemical variation, residue mobility, and thermodynamic stability) performed at Invitae indicates that this missense variant is expected to disrupt SMAD3 protein function. Experimental studies have shown that this variant affects SMAD3 protein function (PMID: 23139211). For these reasons, this variant has been classified as Pathogenic.

Literature cited by the submitters: PubMed 23139211.